The following is an entry in ClinVar:

ClinVar aggregate classification (germline): Likely benign. Review status: criteria provided, multiple submitters, no conflicts (2 of 4 stars). 3 submissions from 3 submitters: Likely benign (3). Last evaluated 2025-11-18.

Allele frequency attached by ClinVar (database versions not stated): gnomAD exomes 0.00007 and 0.00008; ExAC 0.00008; 1000 Genomes Project 0.00020; gnomAD 0.00023 and 0.00026; 1000 Genomes Project 30x 0.00031; TOPMed 0.00031; ESP Exome Variant Server 0.00049.
gnomAD v4.1: 145 of 1,613,958 alleles (0.009%); highest among the groups gnomAD compares: Middle Eastern, 0.099%; no homozygotes.

Submissions (3):

Labcorp Genetics (formerly Invitae), Labcorp
Classification: Likely benign. Last evaluated: 2025-11-18. Review status: criteria provided, single submitter. Criteria: Invitae Variant Classification Sherloc (09022015). Collection method: clinical testing. Allele origin: germline.

Blueprint Genetics
Classification: Likely benign. Last evaluated: 2024-10-17. Review status: criteria provided, single submitter. Criteria: ACMG Guidelines, 2015. Collection method: clinical testing. Allele origin: germline.

CeGaT Center for Human Genetics Tuebingen
Classification: Likely benign. Last evaluated: 2022-09-01. Review status: criteria provided, single submitter. Criteria: CeGaT Center For Human Genetics Tuebingen Variant Classification Criteria Version 2. Collection method: clinical testing. Allele origin: germline. Affected: yes. Observed: 1 variant allele.
Comment: CACNA1G: BP4, BP7

NM_018896.5(CACNA1G):c.2739C>T (p.Ile913=)

Gene: CACNA1G (calcium voltage-gated channel subunit alpha1 G; plus strand). Cytogenetic location: 17q21.33.
Variant type: single nucleotide variant.
Coding change: c.2739C>T on transcript NM_018896.5 (MANE Select); coding-DNA position 2739, C replaced by T.
Protein change: p.Ile913=; no amino-acid change (isoleucine 913 retained).
Molecular consequence: synonymous variant. On other transcripts: non-coding transcript variant (5).
Genome position (GRCh38, 1-based): chr17:50,591,838, C>T. VCF-style: chr17-50591838-C-T. GRCh37 (hg19) VCF-style: chr17-48669199-C-T.
Other names: c.2739C>T, p.Ile913= (NM_001256324.2, NM_001256325.2, NM_001256326.2 and 24 more transcripts).
Identifiers: ClinVar variation 753747 (VCV000753747.32), dbSNP rs9911759, ClinGen allele CA8652505.